The following is an entry in ClinVar:

NM_015272.5(RPGRIP1L):c.776+1G>A

Gene: RPGRIP1L (RPGRIP1 like; minus strand). Cytogenetic location: 16q12.2.
Variant type: single nucleotide variant.
Coding change: c.776+1G>A on transcript NM_015272.5 (MANE Select); the canonical splice donor site of the intron after coding-DNA position 776, G replaced by A.
Molecular consequence: splice donor variant.
Genome position (GRCh38, 1-based): chr16:53,686,432, C>T on the plus strand (G>A on the coding strand, the complement: RPGRIP1L is on the minus strand). VCF-style: chr16-53686432-C-T. GRCh37 (hg19) VCF-style: chr16-53720344-C-T.
Other names: c.776+1G>A (NM_001127897.4, NM_001330538.2, NM_001308334.3 and 1 more transcripts).
Identifiers: ClinVar variation 863845 (VCV000863845.17), dbSNP rs771226563, ClinGen allele CA8058032.

ClinVar aggregate classification (germline): Pathogenic/Likely pathogenic. Review status: criteria provided, multiple submitters, no conflicts (2 of 4 stars). 5 submissions from 5 submitters: Pathogenic (2); Likely pathogenic (3). Last evaluated 2025-01-23.

Conditions:
Meckel-Gruber syndrome. Also called: GRUBER SYNDROME; DYSENCEPHALIA SPLANCHNOCYSTICA; Dysencephalia splachnocystica. Identifiers: Orphanet 564, MedGen C0265215, MONDO:0018921.
Joubert syndrome. Also called: Familial aplasia of the vermis; JOUBERT-BOLTSHAUSER SYNDROME. Identifiers: Orphanet 475, MedGen C5979921, MONDO:0018772.
Meckel syndrome, type 5 (MKS5). Identifiers: Orphanet 564, MedGen C1969052, MONDO:0012695, OMIM 611561.
COACH syndrome 3. Identifiers: MedGen C5436841, MONDO:0030862, OMIM 619113.
Joubert syndrome 7 (JBTS7). Identifiers: Orphanet 220497, MedGen C1969053, MONDO:0012694, OMIM 611560.
RPGRIP1L-related disorder. Also called: RPGRIP1L-related disorders; RPGRIP1L-related condition. Identifiers: MedGen CN239416.

Allele frequency attached by ClinVar (database versions not stated): ExAC 0.00001; gnomAD 0.00001; gnomAD exomes 0.00002; TOPMed 0.00002.
gnomAD v4.1: 12 of 1,612,466 alleles (0.00074%); highest among the groups gnomAD compares: Middle Eastern, 0.016%; no homozygotes.

Submissions (5):

PreventionGenetics, part of Exact Sciences
Classification: Likely pathogenic for RPGRIP1L-related condition. Last evaluated: 2025-01-23. Review status: criteria provided, single submitter. Criteria: ACMG Guidelines, 2015. Collection method: clinical testing. Allele origin: germline.
Comment: The RPGRIP1L c.776+1G>A variant is predicted to disrupt the GT donor site and interfere with normal splicing. This variant has been reported in a family with MKS (Moreno-Leon et al. 2022. PubMed ID: 36061204). In the same study, it showed that this variant resulted in exclusion of in-frame exon 6 potentially leading to reduced ciliary localization of RPGRIP1L. This variant is reported in 0.0033% of alleles in individuals of South Asian descent in gnomAD. Variants that disrupt the consensus splice donor site in RPGRIP1L are expected to be pathogenic. This variant is interpreted as likely pathogenic.

Labcorp Genetics (formerly Invitae), Labcorp
Classification: Likely pathogenic for Joubert syndrome; Meckel-Gruber syndrome. Last evaluated: 2024-10-23. Review status: criteria provided, single submitter. Criteria: Invitae Variant Classification Sherloc (09022015). Collection method: clinical testing. Allele origin: germline.
Comment: This sequence change affects a donor splice site in intron 6 of the RPGRIP1L gene. It is expected to disrupt RNA splicing. Variants that disrupt the donor or acceptor splice site typically lead to a loss of protein function (PMID: 16199547), and loss-of-function variants in RPGRIP1L are known to be pathogenic (PMID: 17558409). This variant is present in population databases (rs771226563, gnomAD 0.003%). Disruption of this splice site has been observed in individual(s) with Meckel-Gruber syndrome (PMID: 36061204). ClinVar contains an entry for this variant (Variation ID: 863845). Algorithms developed to predict the effect of sequence changes on RNA splicing suggest that this variant may disrupt the consensus splice site. In summary, the currently available evidence indicates that the variant is pathogenic, but additional data are needed to prove that conclusively. Therefore, this variant has been classified as Likely Pathogenic.

Fulgent Genetics
Classification: Pathogenic for Joubert syndrome 7; Meckel syndrome, type 5; COACH syndrome 3. Last evaluated: 2024-05-10. Review status: criteria provided, single submitter. Criteria: ACMG Guidelines, 2015. Collection method: clinical testing. Allele origin: germline.

Natera, Inc.
Classification: Likely pathogenic for Joubert syndrome. Last evaluated: 2024-03-29. Review status: criteria provided, single submitter. Criteria: Natera Variant Classification Schema (03/2026). Collection method: clinical testing. Allele origin: germline.
Comment: The c.776+1G>A variant in RPGRIP1L is a canonical splice donor site variant predicted to affect pre-mRNA splicing, which may result in an abnormal transcript and altered protein product. This variant may result in a truncated or dysfunctional protein product. This variant is rare in the general population with a frequency below the threshold expected for the associated phenotype(s). Functional studies show that this variant may disrupt protein function (PMID: 36061204). Given the available evidence, this variant is classified as Likely Pathogenic.

Revvity Omics, Revvity
Classification: Pathogenic. Last evaluated: 2019-10-14. Review status: criteria provided, single submitter. Criteria: ACMG Guidelines, 2015. Collection method: clinical testing. Allele origin: germline.

Literature cited by the submitters: PubMed 16199547 (cited by Labcorp Genetics (formerly Invitae), Labcorp); PubMed 17558409 (cited by Labcorp Genetics (formerly Invitae), Labcorp); PubMed 36061204 (cited by Labcorp Genetics (formerly Invitae), Labcorp and Natera, Inc.).